The following is an entry in ClinVar:

NM_001370595.2(COA8):c.470A>G (p.Tyr157Cys)

Gene: COA8 (cytochrome c oxidase assembly factor 8; plus strand). Cytogenetic location: 14q32.33.
Variant type: single nucleotide variant.
Coding change: c.470A>G on transcript NM_001370595.2 (MANE Select); coding-DNA position 470, A replaced by G.
Protein change: p.Tyr157Cys; replaces tyrosine 157 with cysteine.
Molecular consequence: missense variant. On other transcripts: 3 prime UTR variant (1), non-coding transcript variant (2).
Genome position (GRCh38, 1-based): chr14:103,587,358, A>G. VCF-style: chr14-103587358-A-G. GRCh37 (hg19) VCF-style: chr14-104053695-A-G.
Other names: c.*24A>G (NM_001302653.2); c.509A>G, p.Tyr170Cys (NM_032374.4); short protein forms Y157C, Y170C.
Identifiers: ClinVar variation 2573739 (VCV002573739.1), dbSNP rs1052785319, ClinGen allele CA267245548.

ClinVar aggregate classification (germline): Uncertain significance (1 of 4 stars; one submission).

Allele frequency attached by ClinVar (database versions not stated): gnomAD exomes 0.00001.
gnomAD v4.1: 12 of 1,610,548 alleles (0.00075%); highest among the groups gnomAD compares: Non-Finnish European, 0.00093%; no homozygotes.

Submission:

GeneDx
Classification: Uncertain significance. Last evaluated: 2023-01-18. Review status: criteria provided, single submitter. Criteria: GeneDx Variant Classification Process June 2021. Collection method: clinical testing. Allele origin: germline. Affected: yes.
Comment: Not observed at significant frequency in large population cohorts (gnomAD); In silico analysis supports that this missense variant has a deleterious effect on protein structure/function; Has not been previously published as pathogenic or benign to our knowledge